The following is an entry in ClinVar:

ClinVar aggregate classification (germline): Benign (1 of 4 stars; one submission).

Conditions:
DICER1-related tumor predisposition. Also called: DICER1 syndrome; DICER1-related pleuropulmonary blastoma cancer predisposition syndrome. Identifiers: Orphanet 284343, MedGen C3839822, MONDO:0100216.

Submission:

Myriad Genetics, Inc.
Classification: Benign for DICER1-related tumor predisposition. Last evaluated: 2026-08-18. Review status: criteria provided, single submitter. Criteria: Myriad Autosomal Dominant, Autosomal Recessive and X-Linked Classification Criteria (2023). Collection method: clinical testing. Allele origin: unknown.
Comment: This variant is considered benign. This variant is a silent/synonymous amino acid change and it is not expected to impact splicing.

NM_177438.3(DICER1):c.1605T>G (p.Val535=)

Gene: DICER1 (dicer 1, ribonuclease III; minus strand). Cytogenetic location: 14q32.13.
Variant type: single nucleotide variant.
Coding change: c.1605T>G on transcript NM_177438.3 (MANE Select); coding-DNA position 1605, T replaced by G.
Protein change: p.Val535=; no amino-acid change (valine 535 retained).
Molecular consequence: synonymous variant. On other transcripts: non-coding transcript variant (6), intron variant (1).
Genome position (GRCh38, 1-based): chr14:95,116,600, A>C on the plus strand (T>G on the coding strand, the complement: DICER1 is on the minus strand). VCF-style: chr14-95116600-A-C. GRCh37 (hg19) VCF-style: chr14-95582937-A-C.
Other names: c.1605T>G, p.Val535= (NM_001195573.1, NM_001271282.3, NM_001291628.2 and 12 more transcripts); c.1323T>G, p.Val441= (NM_001395686.1); c.1200T>G, p.Val400= (NM_001395687.1, NM_001395688.1, NM_001395689.1 and 3 more transcripts); c.1038T>G, p.Val346= (NM_001395691.1); c.-59-20T>G (NM_001395697.1).
Identifiers: ClinVar variation 5042177 (VCV005042177.1).